The following is an entry in ClinVar:

ClinVar aggregate classification (germline): Uncertain significance. Review status: criteria provided, multiple submitters, no conflicts (2 of 4 stars). 3 submissions from 3 submitters: Uncertain significance (2). 1 of the submissions does not count toward it. Last evaluated 2026-05-13.

Conditions:
Hereditary cancer-predisposing syndrome. Also called: Hereditary neoplastic syndrome; Neoplastic Syndromes, Hereditary; Tumor predisposition; Hereditary Cancer Syndrome. Identifiers: Orphanet 140162, MedGen C0027672, MeSH D009386, MONDO:0015356.
Fumarase deficiency (FMRD). Also called: Fumaric aciduria; Fumarate Hydratase Deficiency. Identifiers: Orphanet 24, MedGen C0342770, MONDO:0011730, OMIM 606812.

Submissions (3):

Ambry Genetics
Classification: Uncertain significance for Hereditary cancer-predisposing syndrome. Last evaluated: 2026-05-13. Review status: criteria provided, single submitter. Criteria: Ambry Variant Classification Scheme 2023. Collection method: clinical testing. Allele origin: germline.

Labcorp Genetics (formerly Invitae), Labcorp
Classification: Uncertain significance. Last evaluated: 2025-06-16. Review status: criteria provided, single submitter. Criteria: Invitae Variant Classification Sherloc (09022015). Collection method: clinical testing. Allele origin: germline.
Comment: This sequence change replaces lysine, which is basic and polar, with arginine, which is basic and polar, at codon 447 of the FH protein (p.Lys447Arg). This variant is not present in population databases (gnomAD no frequency). This variant has not been reported in the literature in individuals affected with FH-related conditions. ClinVar contains an entry for this variant (Variation ID: 1053954). Invitae Evidence Modeling of protein sequence and biophysical properties (such as structural, functional, and spatial information, amino acid conservation, physicochemical variation, residue mobility, and thermodynamic stability) indicates that this missense variant is not expected to disrupt FH protein function with a negative predictive value of 95%. In summary, the available evidence is currently insufficient to determine the role of this variant in disease. Therefore, it has been classified as a Variant of Uncertain Significance.

Natera, Inc.
Classification: Uncertain significance for Fumarase Deficiency. Last evaluated: 2020-12-04. Review status: no assertion criteria provided. Collection method: clinical testing. Allele origin: germline. Not counted in ClinVar's aggregate classification.

NM_000143.4(FH):c.1340A>G (p.Lys447Arg)

Gene: FH (fumarate hydratase; minus strand). Cytogenetic location: 1q43.
Variant type: single nucleotide variant.
Coding change: c.1340A>G on transcript NM_000143.4 (MANE Select); coding-DNA position 1340, A replaced by G.
Protein change: p.Lys447Arg; replaces lysine 447 with arginine.
Molecular consequence: missense variant.
Genome position (GRCh38, 1-based): chr1:241,500,487, T>C on the plus strand (A>G on the coding strand, the complement: FH is on the minus strand). VCF-style: chr1-241500487-T-C. GRCh37 (hg19) VCF-style: chr1-241663787-T-C.
Other names: c.1340A>G (NM_000143.3); short protein forms K447R.
Identifiers: ClinVar variation 1053954 (VCV001053954.15), dbSNP rs756326120, ClinGen allele CA345436499.